The following is an entry in ClinVar:

ClinVar aggregate classification (germline): Likely benign. Review status: criteria provided, multiple submitters, no conflicts (2 of 4 stars). 2 submissions from 2 submitters: Likely benign (2). Last evaluated 2025-11-19.

Conditions:
Pheochromocytoma/paraganglioma syndrome 1. Also called: SDHD-Related Hereditary Paraganglioma-Pheochromocytoma Syndrome; PARAGANGLIOMAS, FAMILIAL NONCHROMAFFIN, 1; PGL 1; Paragangliomas familial 1; Paragangliomas 1; Glomus tumors familial 1. Identifiers: Orphanet 29072, MedGen C3494181, MONDO:0008192, OMIM 168000.
Cowden syndrome 3 (CWS3). Identifiers: Orphanet 201, MedGen CN166604, MONDO:0014045.
Paragangliomas with sensorineural hearing loss. Identifiers: MedGen C1868633.
Carney-Stratakis syndrome. Also called: PARAGANGLIOMA AND GASTROINTESTINAL STROMAL TUMOR. Identifiers: Orphanet 97286, MedGen C1847319, MONDO:0011740, OMIM 606864.
Pheochromocytoma. Also called: MAX-Related Hereditary Paraganglioma-Pheochromocytoma Syndrome. Identifiers: Orphanet 29072, MedGen C0031511, MONDO:0008233, OMIM 171300, HP:0002666.

Allele frequency attached by ClinVar (database versions not stated): gnomAD exomes below 0.00001.
gnomAD v4.1: 1 of 1,552,932 alleles (0.000064%); highest among the groups gnomAD compares: Non-Finnish European, 0.000089%; no homozygotes.

Submissions (2):

Labcorp Genetics (formerly Invitae), Labcorp
Classification: Likely benign for Carney-Stratakis syndrome; Paragangliomas with sensorineural hearing loss; Pheochromocytoma; Cowden syndrome 3. Last evaluated: 2025-11-19. Review status: criteria provided, single submitter. Criteria: Invitae Variant Classification Sherloc (09022015). Collection method: clinical testing. Allele origin: germline.

Myriad Genetics, Inc.
Classification: Likely benign for Pheochromocytoma/paraganglioma syndrome 1. Last evaluated: 2025-03-17. Review status: criteria provided, single submitter. Criteria: Myriad Autosomal Dominant, Autosomal Recessive and X-Linked Classification Criteria (2023). Collection method: clinical testing. Allele origin: unknown.
Comment: This variant is considered likely benign. This variant is intronic and is not expected to impact mRNA splicing.

NM_003002.4(SDHD):c.53-14G>A

Gene: SDHD (succinate dehydrogenase complex subunit D; plus strand). Cytogenetic location: 11q23.1.
Variant type: single nucleotide variant.
Coding change: c.53-14G>A on transcript NM_003002.4 (MANE Select); 14 bases into the intron before coding-DNA position 53, G replaced by A.
Molecular consequence: intron variant.
Genome position (GRCh38, 1-based): chr11:112,087,843, G>A. VCF-style: chr11-112087843-G-A. GRCh37 (hg19) VCF-style: chr11-111958567-G-A.
Other names: c.53-14G>A (NM_001276506.2, NM_001276503.2); c.52+884G>A (NM_001276504.2).
Identifiers: ClinVar variation 1971092 (VCV001971092.6), dbSNP rs1865649802, ClinGen allele CA2580083424.
Genomic context (GRCh38, chr11:112,087,843, plus strand): 5'-ATGGTCATTTAGAAAGTTTGTCAGTCCTGTTAAAGGAGAGGTTCTTATGATCATCCTAAT[G>A]ACTCTTTCCTCAGCTCTGTTGCTTCGAACTCCAGTGGTCAGACCTGCTCATATCTCAGCA-3'